The following is an entry in ClinVar:

NM_002546.4(TNFRSF11B):c.148C>A (p.Leu50Ile)

Gene: TNFRSF11B (TNF receptor superfamily member 11b; minus strand). Cytogenetic location: 8q24.12.
Variant type: single nucleotide variant.
Coding change: c.148C>A on transcript NM_002546.4 (MANE Select); coding-DNA position 148, C replaced by A.
Protein change: p.Leu50Ile; replaces leucine 50 with isoleucine.
Molecular consequence: missense variant.
Genome position (GRCh38, 1-based): chr8:118,933,183, G>T on the plus strand (C>A on the coding strand, the complement: TNFRSF11B is on the minus strand). VCF-style: chr8-118933183-G-T. GRCh37 (hg19) VCF-style: chr8-119945422-G-T.
Other names: c.148C>A (NM_002546.3); short protein forms L50I.
Identifiers: ClinVar variation 195173 (VCV000195173.10), dbSNP rs778414770, ClinGen allele CA241467.

ClinVar aggregate classification (germline): Uncertain significance. Review status: criteria provided, multiple submitters, no conflicts (2 of 4 stars). 3 submissions from 3 submitters: Uncertain significance (3). Last evaluated 2025-04-10.

Conditions:
Inborn genetic diseases. Identifiers: MedGen C0950123, MeSH D030342.

Allele frequency attached by ClinVar (database versions not stated): ExAC 0.00002; gnomAD 0.00003; gnomAD exomes 0.00009; TOPMed 0.00009.
gnomAD v4.1: 37 of 1,614,164 alleles (0.0023%); highest among the groups gnomAD compares: Admixed American, 0.033%; 1 homozygote.

Submissions (3):

Labcorp Genetics (formerly Invitae), Labcorp
Classification: Uncertain significance. Last evaluated: 2025-04-10. Review status: criteria provided, single submitter. Criteria: Invitae Variant Classification Sherloc (09022015). Collection method: clinical testing. Allele origin: germline.
Comment: This sequence change replaces leucine, which is neutral and non-polar, with isoleucine, which is neutral and non-polar, at codon 50 of the TNFRSF11B protein (p.Leu50Ile). This variant is present in population databases (rs778414770, gnomAD 0.05%). This variant has not been reported in the literature in individuals affected with TNFRSF11B-related conditions. ClinVar contains an entry for this variant (Variation ID: 195173). Invitae Evidence Modeling of protein sequence and biophysical properties (such as structural, functional, and spatial information, amino acid conservation, physicochemical variation, residue mobility, and thermodynamic stability) indicates that this missense variant is not expected to disrupt TNFRSF11B protein function with a negative predictive value of 80%. In summary, the available evidence is currently insufficient to determine the role of this variant in disease. Therefore, it has been classified as a Variant of Uncertain Significance.

Ambry Genetics
Classification: Uncertain significance for Inborn genetic diseases. Last evaluated: 2024-01-02. Review status: criteria provided, single submitter. Criteria: Ambry Variant Classification Scheme 2023. Collection method: clinical testing. Allele origin: germline.

Eurofins Ntd Llc (ga)
Classification: Uncertain significance. Last evaluated: 2015-02-19. Review status: criteria provided, single submitter. Criteria: EGL Classification Definitions 2015. Collection method: clinical testing. Allele origin: germline. Observed: 1 variant allele, 1 heterozygote.